The following is an entry in ClinVar:

ClinVar aggregate classification (germline): Likely benign. Review status: criteria provided, multiple submitters, no conflicts (2 of 4 stars). 2 submissions from 2 submitters: Likely benign (2). Last evaluated 2026-09-01.

Conditions:
Spastic paraplegia. Identifiers: MedGen C0037772, HP:0001258.

Allele frequency attached by ClinVar (database versions not stated): gnomAD exomes below 0.00001.
gnomAD v4.1: 4 of 1,614,150 alleles (0.00025%); highest among the groups gnomAD compares: Non-Finnish European, 0.00034%; no homozygotes.

Submissions (2):

CeGaT Center for Human Genetics Tuebingen
Classification: Likely benign. Last evaluated: 2026-09-01. Review status: criteria provided, single submitter. Criteria: CeGaT Center For Human Genetics Tuebingen Variant Classification Criteria Version 2. Collection method: clinical testing. Allele origin: germline. Affected: yes. Observed: 1 variant allele.
Comment: ZFYVE26: BP4, BP7

Labcorp Genetics (formerly Invitae), Labcorp
Classification: Likely benign for Spastic paraplegia. Last evaluated: 2022-11-23. Review status: criteria provided, single submitter. Criteria: Invitae Variant Classification Sherloc (09022015). Collection method: clinical testing. Allele origin: germline.

NM_015346.4(ZFYVE26):c.2229G>A (p.Val743=)

Gene: ZFYVE26 (zinc finger FYVE-type containing 26; minus strand). Cytogenetic location: 14q24.1.
Variant type: single nucleotide variant.
Coding change: c.2229G>A on transcript NM_015346.4 (MANE Select); coding-DNA position 2229, G replaced by A.
Protein change: p.Val743=; no amino-acid change (valine 743 retained).
Molecular consequence: synonymous variant.
Genome position (GRCh38, 1-based): chr14:67,798,033, C>T on the plus strand (G>A on the coding strand, the complement: ZFYVE26 is on the minus strand). VCF-style: chr14-67798033-C-T. GRCh37 (hg19) VCF-style: chr14-68264750-C-T.
Identifiers: ClinVar variation 1153562 (VCV001153562.10), dbSNP rs1213595669, ClinGen allele CA486970840.